The following is an entry in ClinVar:

ClinVar aggregate classification (germline): Benign. Review status: criteria provided, multiple submitters, no conflicts (2 of 4 stars). 3 submissions from 3 submitters: Benign (2). 1 of the submissions does not count toward it. Last evaluated 2018-06-26.

Allele frequency attached by ClinVar (database versions not stated): gnomAD exomes 0.08088 and 0.09706; TOPMed 0.18592; 1000 Genomes Project 30x 0.18520; ExAC 0.11571; gnomAD 0.17731 and 0.18569; 1000 Genomes Project 0.17792; ESP Exome Variant Server 0.19217.
gnomAD v4.1: 142,015 of 1,565,092 alleles (9.1%); highest among the groups gnomAD compares: African/African-American, 44%; 11,715 homozygotes.

Submissions (3):

GeneDx
Classification: Benign. Last evaluated: 2018-06-26. Review status: criteria provided, single submitter. Criteria: GeneDx Variant Classification Process June 2021. Collection method: clinical testing. Allele origin: germline. Affected: yes.

Breakthrough Genomics
Classification: Benign. Review status: criteria provided, single submitter. Criteria: ACMG Guidelines, 2015. Collection method: not provided. Allele origin: germline. Inheritance: Autosomal recessive inheritance. Affected: yes.

Genetic Services Laboratory, University of Chicago
Classification: Likely benign. Review status: no assertion criteria provided. Collection method: clinical testing. Allele origin: germline. Inheritance: Autosomal recessive inheritance. Not counted in ClinVar's aggregate classification.
Comment: Likely benign based on allele frequency in 1000 Genomes Project or ESP global frequency and its presence in a patient with a rare or unrelated disease phenotype. NOT Sanger confirmed

NM_006031.6(PCNT):c.7913+40C>T

Gene: PCNT (pericentrin; plus strand). Cytogenetic location: 21q22.3.
Variant type: single nucleotide variant.
Coding change: c.7913+40C>T on transcript NM_006031.6 (MANE Select); 40 bases into the intron after coding-DNA position 7913, C replaced by T.
Molecular consequence: intron variant.
Genome position (GRCh38, 1-based): chr21:46,430,272, C>T. VCF-style: chr21-46430272-C-T. GRCh37 (hg19) VCF-style: chr21-47850186-C-T.
Other names: c.7559+40C>T (NM_001315529.2).
Identifiers: ClinVar variation 159667 (VCV000159667.8), dbSNP rs1023161, ClinGen allele CA173111.